The following is an entry in ClinVar:

NM_001377304.1(GFI1B):c.365C>T (p.Ala122Val)

Gene: GFI1B (growth factor independent 1B transcriptional repressor; plus strand). Cytogenetic location: 9q34.13.
Variant type: single nucleotide variant.
Coding change: c.365C>T on transcript NM_001377304.1 (MANE Select); coding-DNA position 365, C replaced by T.
Protein change: p.Ala122Val; replaces alanine 122 with valine.
Molecular consequence: missense variant.
Genome position (GRCh38, 1-based): chr9:132,988,323, C>T. VCF-style: chr9-132988323-C-T. GRCh37 (hg19) VCF-style: chr9-135863710-C-T.
Other names: c.365C>T, p.Ala122Val (NM_001135031.2, NM_001371908.1, NM_001377305.1 and 1 more transcripts); short protein forms A122V.
Identifiers: ClinVar variation 4263263 (VCV004263263.2).

ClinVar aggregate classification (germline): Uncertain significance. Review status: criteria provided, multiple submitters, no conflicts (2 of 4 stars). 2 submissions from 2 submitters: Uncertain significance (2). Last evaluated 2026-09-01.

Conditions:
Inborn genetic diseases. Identifiers: MedGen C0950123, MeSH D030342.

gnomAD v4.1: 2 of 1,613,494 alleles (0.00012%); highest among the groups gnomAD compares: African/African-American, 0.0027%; no homozygotes.

Submissions (2):

CeGaT Center for Human Genetics Tuebingen
Classification: Uncertain significance. Last evaluated: 2026-09-01. Review status: criteria provided, single submitter. Criteria: CeGaT Center For Human Genetics Tuebingen Variant Classification Criteria Version 2. Collection method: clinical testing. Allele origin: germline. Affected: yes. Observed: 1 variant allele.
Comment: GFI1B: PM2, BP4

Ambry Genetics
Classification: Uncertain significance for Inborn genetic diseases. Last evaluated: 2025-07-02. Review status: criteria provided, single submitter. Criteria: Ambry Variant Classification Scheme 2023. Collection method: clinical testing. Allele origin: germline.